The following is an entry in ClinVar:

ClinVar aggregate classification (germline): Pathogenic. Review status: criteria provided, multiple submitters, no conflicts (2 of 4 stars). 4 submissions from 4 submitters: Pathogenic (4). Last evaluated 2024-08-27.

Conditions:
Hereditary spastic paraplegia 4. Also called: Spastic Paraplegia 4; Familial spastic paraplegia autosomal dominant 2; Spastic paraplegia 4, autosomal dominant. Identifiers: Orphanet 100985, MedGen C1866855, MONDO:0008438, OMIM 182601.

Submissions (4):

Labcorp Genetics (formerly Invitae), Labcorp
Classification: Pathogenic for Hereditary spastic paraplegia 4. Last evaluated: 2024-08-27. Review status: criteria provided, single submitter. Criteria: Invitae Variant Classification Sherloc (09022015). Collection method: clinical testing. Allele origin: germline.
Comment: This sequence change creates a premature translational stop signal (p.Gln80*) in the SPAST gene. It is expected to result in an absent or disrupted protein product. Loss-of-function variants in SPAST are known to be pathogenic (PMID: 20932283). This variant is not present in population databases (gnomAD no frequency). This variant has not been reported in the literature in individuals affected with SPAST-related conditions. ClinVar contains an entry for this variant (Variation ID: 987043). For these reasons, this variant has been classified as Pathogenic.

CeGaT Center for Human Genetics Tuebingen
Classification: Pathogenic. Last evaluated: 2022-09-01. Review status: criteria provided, single submitter. Criteria: CeGaT Center For Human Genetics Tuebingen Variant Classification Criteria Version 2. Collection method: clinical testing. Allele origin: germline. Affected: yes. Observed: 2 variant alleles.
Comment: SPAST: PVS1, PM2, PP4

Institute of Medical Genetics and Applied Genomics, University Hospital Tübingen
Classification: Pathogenic. Last evaluated: 2020-10-23. Review status: criteria provided, single submitter. Criteria: ACMG Guidelines, 2015. Collection method: clinical testing. Allele origin: germline. Inheritance: Autosomal dominant inheritance. Affected: yes.

Athena Diagnostics
Classification: Pathogenic. Last evaluated: 2020-01-20. Review status: criteria provided, single submitter. Criteria: Athena Diagnostics Criteria. Collection method: clinical testing. Allele origin: unknown.
Comment: The variant creates a premature nonsense codon, and is therefore predicted to result in the loss of a functional protein. Found in at least one patient with expected phenotype for this gene, and not found in general population data.

Literature cited by the submitters: PubMed 20932283 (cited by Labcorp Genetics (formerly Invitae), Labcorp).

NM_014946.4(SPAST):c.238C>T (p.Gln80Ter)

Gene: SPAST (spastin; plus strand). Cytogenetic location: 2p22.3.
Variant type: single nucleotide variant.
Coding change: c.238C>T on transcript NM_014946.4 (MANE Select); coding-DNA position 238, C replaced by T.
Protein change: p.Gln80Ter; replaces glutamine 80 with a stop codon.
Molecular consequence: nonsense.
Genome position (GRCh38, 1-based): chr2:32,064,069, C>T. VCF-style: chr2-32064069-C-T. GRCh37 (hg19) VCF-style: chr2-32289138-C-T.
Other names: c.238C>T, p.Gln80Ter (NM_001363823.2, NM_001363875.2, NM_001377959.1 and 1 more transcripts); short protein forms Q80*.
Identifiers: ClinVar variation 987043 (VCV000987043.38), dbSNP rs1676403099, ClinGen allele CA346601857.
Genomic context (GRCh38, chr2:32,064,069, plus strand): 5'-GGCTTCGCGCTGCTGCGTTTGGTCGCCTTCCACCTGGGGCTCCTCTTCGTGTGGCTCTGC[C>T]AGCGCTTCTCCCGCGCCCTCATGGCAGCCAAGAGGAGCTCCGGGGCCGCGCCAGCACCTG-3'